The following is an entry in ClinVar:

ClinVar aggregate classification (germline): Conflicting classifications of pathogenicity. Review status: criteria provided, conflicting classifications (1 of 4 stars). 4 submissions from 4 submitters: Uncertain significance (2); Benign (1). 1 of the submissions does not count toward it. Last evaluated 2024-04-27.

Conditions:
CREBBP-related disorder. Also called: CREBBP-related disorders; CREBBP-related condition.
Rubinstein-Taybi syndrome due to CREBBP mutations (RSTS1). Also called: CREBBP-Related Rubinstein-Taybi Syndrome; RUBINSTEIN-TAYBI SYNDROME 1, INCOMPLETE; BROAD THUMB-HALLUX SYNDROME; BROAD THUMBS AND GREAT TOES, CHARACTERISTIC FACIES, AND IMPAIRED INTELLECTUAL DEVELOPMENT; RUBINSTEIN SYNDROME; Rubinstein-Taybi syndrome 1. Identifiers: Orphanet 353277, Orphanet 783, MedGen C4551859, MONDO:0008393, OMIM 180849.
Menke-Hennekam syndrome 1 (MKHK1). Identifiers: MedGen C5193034, MONDO:0020763, OMIM 618332.
Rubinstein-Taybi syndrome (RSTS). Identifiers: Orphanet 783, MedGen C0035934, MONDO:0019188.

Allele frequency attached by ClinVar (database versions not stated): ExAC 0.00001; TOPMed 0.00001; gnomAD 0.00002; ESP Exome Variant Server 0.00008.
gnomAD v4.1: 21 of 1,614,114 alleles (0.0013%); highest among the groups gnomAD compares: Middle Eastern, 0.016%; 1 homozygote.

Submissions (4):

Labcorp Genetics (formerly Invitae), Labcorp
Classification: Benign for Rubinstein-Taybi syndrome. Last evaluated: 2024-04-27. Review status: criteria provided, single submitter. Criteria: Invitae Variant Classification Sherloc (09022015). Collection method: clinical testing. Allele origin: germline.

Fulgent Genetics
Classification: Uncertain significance for Rubinstein-Taybi syndrome due to CREBBP mutations; Menke-Hennekam syndrome 1. Last evaluated: 2024-03-12. Review status: criteria provided, single submitter. Criteria: ACMG Guidelines, 2015. Collection method: clinical testing. Allele origin: germline.

Clinical Genomics Laboratory, Stanford Medicine
Classification: Uncertain significance for Rubinstein-Taybi syndrome due to CREBBP mutations. Last evaluated: 2023-02-17. Review status: criteria provided, single submitter. Criteria: ACMG Guidelines, 2015. Collection method: clinical testing. Allele origin: germline. Observed: 1 variant allele, 1 heterozygote.

PreventionGenetics, part of Exact Sciences
Classification: Uncertain significance for CREBBP-related condition. Last evaluated: 2024-08-05. Review status: no assertion criteria provided. Collection method: clinical testing. Allele origin: germline. Not counted in ClinVar's aggregate classification.
Comment: The CREBBP c.4807G>A variant is predicted to result in the amino acid substitution p.Ala1603Thr. To our knowledge, this variant has not been reported in the literature in association with CREBBP-related disease. This variant is reported in 0.0080% of alleles in individuals of African descent in gnomAD. At this time, the clinical significance of this variant is uncertain due to the absence of conclusive functional and genetic evidence.

NM_004380.3(CREBBP):c.4807G>A (p.Ala1603Thr)

Gene: CREBBP (CREB binding lysine acetyltransferase; minus strand). Cytogenetic location: 16p13.3.
Variant type: single nucleotide variant.
Coding change: c.4807G>A on transcript NM_004380.3 (MANE Select); coding-DNA position 4807, G replaced by A.
Protein change: p.Ala1603Thr; replaces alanine 1603 with threonine.
Molecular consequence: missense variant.
Genome position (GRCh38, 1-based): chr16:3,731,859, C>T on the plus strand (G>A on the coding strand, the complement: CREBBP is on the minus strand). VCF-style: chr16-3731859-C-T. GRCh37 (hg19) VCF-style: chr16-3781860-C-T.
Other names: c.4693G>A, p.Ala1565Thr (NM_001079846.1); c.4807G>A (NM_004380.2); short protein forms A1565T, A1603T.
Identifiers: ClinVar variation 2895292 (VCV002895292.6), dbSNP rs375557093, ClinGen allele CA7869420.